The following is an entry in ClinVar:

ClinVar aggregate classification (germline): Uncertain significance (1 of 4 stars; one submission).

Submission:

GeneDx
Classification: Uncertain significance. Last evaluated: 2015-01-05. Review status: criteria provided, single submitter. Criteria: GeneDx Variant Classification (06012015). Collection method: clinical testing. Allele origin: germline. Affected: yes.
Comment: p.Ile369Val (ATC>GTC): c.1105 A>G in exon 9 of the SLC2A1 gene (NM_006516.2)A variant of unknown significance has been identified in the SLC2A1 gene. The I369V variant has not been published as a mutation, nor has it been reported as a benign polymorphism to our knowledge. It was not observed in approximately 6,500 individuals of European and African American ancestry in the NHLBI Exome Sequencing Project, indicating it is not a common benign variant in these populations. The I369V variant is a conservative amino acid substitution, which is not likely to impact secondary protein structure as these residues share similar properties. However, this substitution occurs at a position that is highly conserved when present across species. In silico analysis is inconsistent in its predictions as to whether or not the I369V variant is damaging to the protein structure/function. Therefore, based on the currently available information, it is unclear whether this variant is a pathogenic mutation or a rare benign variant.The variant is found in INFANTV2-EPIV2-1 panel(s).

NM_006516.4(SLC2A1):c.1105A>G (p.Ile369Val)

Gene: SLC2A1 (solute carrier family 2 member 1; minus strand). Cytogenetic location: 1p34.2.
Variant type: single nucleotide variant.
Coding change: c.1105A>G on transcript NM_006516.4 (MANE Select); coding-DNA position 1105, A replaced by G.
Protein change: p.Ile369Val; replaces isoleucine 369 with valine.
Molecular consequence: missense variant.
Genome position (GRCh38, 1-based): chr1:42,927,778, T>C on the plus strand (A>G on the coding strand, the complement: SLC2A1 is on the minus strand). VCF-style: chr1-42927778-T-C. GRCh37 (hg19) VCF-style: chr1-43393449-T-C.
Other names: p.I369V:ATC>GTC; short protein forms I369V.
Identifiers: ClinVar variation 207206 (VCV000207206.2), dbSNP rs796053258, ClinGen allele CA318457.
Genomic context (GRCh38, chr1:42,927,778, plus strand): 5'-ACCATGGGATGGGGCCAGGACCCACTTCAAAGAAGGCCACAAAGCCAAAGATGGCCACGA[T>C]GCTCAGATAGGACATCCAGGGTAGCTGCTCCTGTTGAGGATGACGGAGAGGGGGAAAAGT-3'
Protein context (NP_006507.2, residues 359-379): EQLPWMSYLS[Ile369Val]VAIFGFVAFF